The following is an entry in ClinVar:

ClinVar aggregate classification (germline): Likely benign (0 of 4 stars; one submission).

Conditions:
PER2-related disorder. Also called: PER2-related condition.

Allele frequency attached by ClinVar (database versions not stated): ESP Exome Variant Server 0.00077; ExAC 0.00120.
gnomAD v4.1: 2,035 of 1,613,920 alleles (0.13%); highest among the groups gnomAD compares: Non-Finnish European, 0.16%; 1 homozygote.

Submission:

PreventionGenetics, part of Exact Sciences
Classification: Likely benign for PER2-related condition. Last evaluated: 2019-10-15. Review status: no assertion criteria provided. Collection method: clinical testing. Allele origin: germline.
Comment: This variant is classified as likely benign based on ACMG/AMP sequence variant interpretation guidelines (Richards et al. 2015 PMID: 25741868, with internal and published modifications).

NM_022817.3(PER2):c.1542+4C>T

Gene: PER2 (period circadian regulator 2; minus strand). Cytogenetic location: 2q37.3.
Variant type: single nucleotide variant.
Coding change: c.1542+4C>T on transcript NM_022817.3 (MANE Select); 4 bases into the intron after coding-DNA position 1542, C replaced by T.
Molecular consequence: intron variant.
Genome position (GRCh38, 1-based): chr2:238,260,824, G>A on the plus strand (C>T on the coding strand, the complement: PER2 is on the minus strand). VCF-style: chr2-238260824-G-A. GRCh37 (hg19) VCF-style: chr2-239169465-G-A.
Identifiers: ClinVar variation 3046085 (VCV003046085.2), dbSNP rs7603349, ClinGen allele CA2197381.
Genomic context (GRCh38, chr2:238,260,824, plus strand): 5'-GCTTTTTAACTCTGGAGGGACATCCACAAACTCATTTTCTCAGGGAGAATGGAAGGAGAC[G>A]TACGGCTCTCCTCCGGCGTGAGTCCTCATGGCCGTTGCTGTCGCTGGAGGAGGTCTGGCT-3'